The following is an entry in ClinVar:

ClinVar aggregate classification (germline): Uncertain significance (1 of 4 stars; one submission).

Allele frequency attached by ClinVar (database versions not stated): gnomAD exomes below 0.00001.
gnomAD v4.1: 1 of 1,599,976 alleles (0.000063%); highest among the groups gnomAD compares: Admixed American, 0.0017%; no homozygotes.

Submission:

Labcorp Genetics (formerly Invitae), Labcorp
Classification: Uncertain significance. Last evaluated: 2021-07-31. Review status: criteria provided, single submitter. Criteria: Invitae Variant Classification Sherloc (09022015). Collection method: clinical testing. Allele origin: germline.
Comment: This sequence change replaces glycine with tryptophan at codon 655 of the COL9A1 protein (p.Gly655Trp). The glycine residue is highly conserved and there is a large physicochemical difference between glycine and tryptophan. This variant is not present in population databases (ExAC no frequency). This variant has not been reported in the literature in individuals affected with COL9A1-related conditions. Advanced modeling of protein sequence and biophysical properties (such as structural, functional, and spatial information, amino acid conservation, physicochemical variation, residue mobility, and thermodynamic stability) performed at Invitae indicates that this missense variant is expected to disrupt COL9A1 protein function. In summary, the available evidence is currently insufficient to determine the role of this variant in disease. Therefore, it has been classified as a Variant of Uncertain Significance.

NM_001851.6(COL9A1):c.1963G>T (p.Gly655Trp)

Gene: COL9A1 (collagen type IX alpha 1 chain; minus strand). Cytogenetic location: 6q13.
Variant type: single nucleotide variant.
Coding change: c.1963G>T on transcript NM_001851.6 (MANE Select); coding-DNA position 1963, G replaced by T.
Protein change: p.Gly655Trp; replaces glycine 655 with tryptophan.
Molecular consequence: missense variant. On other transcripts: non-coding transcript variant (1).
Genome position (GRCh38, 1-based): chr6:70,241,999, C>A on the plus strand (G>T on the coding strand, the complement: COL9A1 is on the minus strand). VCF-style: chr6-70241999-C-A. GRCh37 (hg19) VCF-style: chr6-70951702-C-A.
Other names: c.1264G>T, p.Gly422Trp (NM_001377289.1); c.1234G>T, p.Gly412Trp (NM_001377290.1, NM_078485.4); short protein forms G655W, G412W, G422W.
Identifiers: ClinVar variation 1371272 (VCV001371272.3), dbSNP rs2127565874, ClinGen allele CA364675650.
Genomic context (GRCh38, chr6:70,241,999, plus strand): 5'-CCTTCTGGAGTGCTGGAGCTCTTACCCTGTCACCTTTCATTCCAGGAAGTCCAGGGGGCC[C>A]AGGCAAGCCAGGGAGGCCAGGGCTACCCAGAGAACCCTGGAAAGCAAAAACAAAGTCCCC-3'
Protein context (NP_001842.3, residues 645-665): LGSPGLPGLP[Gly655Trp]PPGLPGMKGD